The following is an entry in ClinVar:

NM_000528.4(MAN2B1):c.590C>G (p.Pro197Arg)

Gene: MAN2B1 (mannosidase alpha class 2B member 1; minus strand). Cytogenetic location: 19p13.13.
Variant type: single nucleotide variant.
Coding change: c.590C>G on transcript NM_000528.4 (MANE Select); coding-DNA position 590, C replaced by G.
Protein change: p.Pro197Arg; replaces proline 197 with arginine.
Molecular consequence: missense variant.
Genome position (GRCh38, 1-based): chr19:12,664,832, G>C on the plus strand (C>G on the coding strand, the complement: MAN2B1 is on the minus strand). VCF-style: chr19-12664832-G-C. GRCh37 (hg19) VCF-style: chr19-12775646-G-C.
Other names: c.590C>G, p.Pro197Arg (NM_001173498.2); short protein forms P197R.
Identifiers: ClinVar variation 208254 (VCV000208254.8), dbSNP rs864621977, ClinGen allele CA351013.

ClinVar aggregate classification (germline): Likely pathogenic. Review status: criteria provided, multiple submitters, no conflicts (2 of 4 stars). 6 submissions from 6 submitters: Likely pathogenic (5). 1 of the submissions does not count toward it. Last evaluated 2025-02-03.

Conditions:
Inborn genetic diseases. Identifiers: MedGen C0950123, MeSH D030342.
Deficiency of alpha-mannosidase (MANSA). Also called: LYSOSOMAL ALPHA-D-MANNOSIDASE DEFICIENCY; Mannosidosis, alpha-, types I and II; Alpha-Mannosidosis. Identifiers: Orphanet 61, MedGen C0024748, MONDO:0009561, OMIM 248500.

Allele frequency attached by ClinVar (database versions not stated): TOPMed 0.00001.
gnomAD v4.1: 1 of 1,613,882 alleles (0.000062%); highest among the groups gnomAD compares: Non-Finnish European, 0.000085%; no homozygotes.

Submissions (6):

GeneDx
Classification: Likely pathogenic. Last evaluated: 2025-02-03. Review status: criteria provided, single submitter. Criteria: GeneDx Variant Classification Process June 2021. Collection method: clinical testing. Allele origin: germline. Affected: yes.
Comment: Reported with a second MAN2B1 variant, phase unknown, in a patient with alpha-mannosidosis in published literature (PMID: 22161967); Not observed at significant frequency in large population cohorts (gnomAD); In silico analysis supports that this missense variant has a deleterious effect on protein structure/function; This variant is associated with the following publications: (PMID: 26048034, 21505070, 22161967)

Fulgent Genetics
Classification: Likely pathogenic for Deficiency of alpha-mannosidase. Last evaluated: 2024-04-18. Review status: criteria provided, single submitter. Criteria: ACMG Guidelines, 2015. Collection method: clinical testing. Allele origin: germline.

Women's Health and Genetics/Laboratory Corporation of America, LabCorp
Classification: Likely pathogenic for Deficiency of alpha-mannosidase. Last evaluated: 2024-04-12. Review status: criteria provided, single submitter. Criteria: LabCorp Variant Classification Summary - May 2015. Collection method: clinical testing. Allele origin: germline.
Comment: Variant summary: MAN2B1 c.590C>G (p.Pro197Arg) results in a non-conservative amino acid change located in the Glycoside hydrolase family 38, N-terminal domain of the encoded protein sequence. Five of five in-silico tools predict a damaging effect of the variant on protein function. The variant was absent in 244732 control chromosomes. c.590C>G has been reported in the literature in an individual affected with Alpha-Mannosidosis (Borgwardt_2015). At least one publication reports experimental evidence evaluating an impact on protein function. The most pronounced variant effect results in <10% of normal activity in regards to intracellular processing and secretion into the medium in transfected cells, indicating an inactive protein (Kuokkanen_2011, Stensland_2015). The following publications have been ascertained in the context of this evaluation (PMID: 26048034, 21505070, 22161967, 25762455). ClinVar contains an entry for this variant (Variation ID: 208254). Based on the evidence outlined above, the variant was classified as likely pathogenic.

Baylor Genetics
Classification: Likely pathogenic for Deficiency of alpha-mannosidase. Last evaluated: 2023-04-22. Review status: criteria provided, single submitter. Criteria: ACMG Guidelines, 2015. Collection method: clinical testing. Allele origin: unknown.

Ambry Genetics
Classification: Likely pathogenic for Inborn genetic diseases. Last evaluated: 2021-09-14. Review status: criteria provided, single submitter. Criteria: Ambry Variant Classification Scheme 2023. Collection method: clinical testing. Allele origin: germline.
Comment: The c.590C>G (p.P197R) alteration is located in exon 4 (coding exon 4) of the MAN2B1 gene. This alteration results from a C to G substitution at nucleotide position 590, causing the proline (P) at amino acid position 197 to be replaced by an arginine (R). This variant was not reported in population-based cohorts in the Genome Aggregation Database (gnomAD). This alteration has been detected in conjunction with a second MAN2B1 alteration in a patient with alpha-mannosidosis (Riise Stensland, 2012). This amino acid position is highly conserved in available vertebrate species. In vitro studies demonstrate that this alteration results in an inactive protein with less than 20% of wild type activity in multiple cell types (Riise Stensland, 2012). Additionally, studies in transfected cells show that p.Pro197Arg is not processed and retained in the ER in HeLa cells, although COS-7 cells showed dissimilar localization (Kuokkanen, 2011). This alteration is predicted to be deleterious by in silico analysis. Based on the available evidence, this alteration is classified as likely pathogenic.

ClinVar Staff, National Center for Biotechnology Information (NCBI)
Classification: Uncertain significance for Deficiency of alpha-mannosidase. Last evaluated: 2012-06-07. Review status: no assertion criteria provided. Collection method: literature only. Allele origin: germline. Affected: yes. Not counted in ClinVar's aggregate classification.

Literature cited by the submitters: PubMed 22161967 (cited by 3 submitters); PubMed 21505070 (cited by Women's Health and Genetics/Laboratory Corporation of America, LabCorp and Ambry Genetics); PubMed 25762455 (cited by Women's Health and Genetics/Laboratory Corporation of America, LabCorp); PubMed 26048034 (cited by Women's Health and Genetics/Laboratory Corporation of America, LabCorp).